The following is an entry in ClinVar:

NM_000264.5(PTCH1):c.663A>C (p.Glu221Asp)

Gene: PTCH1 (patched 1; minus strand). Cytogenetic location: 9q22.32.
Variant type: single nucleotide variant.
Coding change: c.663A>C on transcript NM_000264.5 (MANE Select); coding-DNA position 663, A replaced by C.
Protein change: p.Glu221Asp; replaces glutamic acid 221 with aspartic acid.
Molecular consequence: missense variant. On other transcripts: non-coding transcript variant (1).
Genome position (GRCh38, 1-based): chr9:95,482,032, T>G on the plus strand (A>C on the coding strand, the complement: PTCH1 is on the minus strand). VCF-style: chr9-95482032-T-G. GRCh37 (hg19) VCF-style: chr9-98244314-T-G.
Other names: c.465A>C, p.Glu155Asp (NM_001083602.3, NM_001354919.2); c.660A>C, p.Glu220Asp (NM_001083603.3); c.210A>C, p.Glu70Asp (NM_001083604.3, NM_001083605.3, NM_001083606.3 and 1 more transcripts); c.663A>C, p.Glu221Asp (NM_001354918.2); short protein forms E155D, E221D, E70D, E220D.
Identifiers: ClinVar variation 1754607 (VCV001754607.2), dbSNP rs1479973586, ClinGen allele CA374114975.
Genomic context (GRCh38, chr9:95,482,032, plus strand): 5'-TAATTTCGCCCCTTCCCAGAAGCAGTCCAAAGGTGTAATAATCAAACAAGGGTAAAGATA[T>G]TCTATTATCTGTCAAAGTTAAAAAGAAGAGGCCATGCGTTAGGTTAAGGCACACTACTGG-3'
Protein context (NP_000255.2, residues 211-231): TETGYMDQII[Glu221Asp]YLYPCLIITP

ClinVar aggregate classification (germline): Uncertain significance (1 of 4 stars; one submission).

Conditions:
Hereditary cancer-predisposing syndrome. Also called: Neoplastic Syndromes, Hereditary; Tumor predisposition; Hereditary Cancer Syndrome; Hereditary neoplastic syndrome. Identifiers: Orphanet 140162, MedGen C0027672, MeSH D009386, MONDO:0015356.

Submission:

Ambry Genetics
Classification: Uncertain significance for Hereditary cancer-predisposing syndrome. Last evaluated: 2021-05-11. Review status: criteria provided, single submitter. Criteria: Ambry Variant Classification Scheme 2023. Collection method: clinical testing. Allele origin: germline.
Comment: The p.E221D variant (also known as c.663A>C), located in coding exon 5 of the PTCH1 gene, results from an A to C substitution at nucleotide position 663. The glutamic acid at codon 221 is replaced by aspartic acid, an amino acid with highly similar properties. This amino acid position is highly conserved in available vertebrate species. In addition, the in silico prediction for this alteration is inconclusive. Since supporting evidence is limited at this time, the clinical significance of this alteration remains unclear.